The following is an entry in ClinVar:

NM_001164665.2(KIAA1549):c.23G>C (p.Arg8Pro)

Gene: KIAA1549 (KIAA1549; minus strand). Cytogenetic location: 7q34.
Variant type: single nucleotide variant.
Coding change: c.23G>C on transcript NM_001164665.2 (MANE Select); coding-DNA position 23, G replaced by C.
Protein change: p.Arg8Pro; replaces arginine 8 with proline.
Molecular consequence: missense variant.
Genome position (GRCh38, 1-based): chr7:138,981,247, C>G on the plus strand (G>C on the coding strand, the complement: KIAA1549 is on the minus strand). VCF-style: chr7-138981247-C-G. GRCh37 (hg19) VCF-style: chr7-138665993-C-G.
Other names: c.23G>C, p.Arg8Pro (NM_020910.3); short protein forms R8P.
Identifiers: ClinVar variation 1435159 (VCV001435159.8), dbSNP rs1814543677, ClinGen allele CA369382767.

ClinVar aggregate classification (germline): Uncertain significance (1 of 4 stars; one submission).

Allele frequency attached by ClinVar (database versions not stated): gnomAD 0.00001.
gnomAD v4.1: 1 of 982,634 alleles (0.0001%); highest among the groups gnomAD compares: Non-Finnish European, 0.00012%; no homozygotes.

Submission:

Labcorp Genetics (formerly Invitae), Labcorp
Classification: Uncertain significance. Last evaluated: 2022-03-03. Review status: criteria provided, single submitter. Criteria: Invitae Variant Classification Sherloc (09022015). Collection method: clinical testing. Allele origin: germline.
Comment: In summary, the available evidence is currently insufficient to determine the role of this variant in disease. Therefore, it has been classified as a Variant of Uncertain Significance. Algorithms developed to predict the effect of missense changes on protein structure and function are either unavailable or do not agree on the potential impact of this missense change (SIFT: "Deleterious"; PolyPhen-2: "Benign"; Align-GVGD: "Class C0"). This variant has not been reported in the literature in individuals affected with KIAA1549-related conditions. The frequency data for this variant in the population databases is considered unreliable, as metrics indicate insufficient coverage at this position in the gnomAD database. This sequence change replaces arginine, which is basic and polar, with proline, which is neutral and non-polar, at codon 8 of the KIAA1549 protein (p.Arg8Pro).